The following is an entry in ClinVar:

NM_004655.4(AXIN2):c.957-3T>C

Gene: AXIN2 (axin 2; minus strand). Cytogenetic location: 17q24.1.
Variant type: single nucleotide variant.
Coding change: c.957-3T>C on transcript NM_004655.4 (MANE Select); 3 bases into the intron before coding-DNA position 957, T replaced by C.
Molecular consequence: intron variant.
Genome position (GRCh38, 1-based): chr17:65,541,560, A>G on the plus strand (T>C on the coding strand, the complement: AXIN2 is on the minus strand). VCF-style: chr17-65541560-A-G. GRCh37 (hg19) VCF-style: chr17-63537678-A-G.
Other names: c.957-3T>C (NM_004655.3, NM_001363813.1).
Identifiers: ClinVar variation 1912247 (VCV001912247.9), dbSNP rs2544197112, ClinGen allele CA2580094990.
Genomic context (GRCh38, chr17:65,541,560, plus strand): 5'-ATGCATTTCTCTCTGGAGCTGTTTCTTACTGCCCACACGATAAGGAGGAATTCCATCTCT[A>G]AGGGAAAGGAAAAGACAGAATCCACAGGCTTACGAGGATGTTTTCAGCACATCACATGGG-3'

ClinVar aggregate classification (germline): Conflicting classifications of pathogenicity. Review status: criteria provided, conflicting classifications (1 of 4 stars). 3 submissions from 3 submitters: Uncertain significance (1); Likely benign (2). Last evaluated 2025-07-18.

Conditions:
Hereditary cancer-predisposing syndrome. Also called: Neoplastic Syndromes, Hereditary; Hereditary Cancer Syndrome; Tumor predisposition; Hereditary neoplastic syndrome. Identifiers: Orphanet 140162, MedGen C0027672, MeSH D009386, MONDO:0015356.
Oligodontia-cancer predisposition syndrome. Also called: TOOTH AGENESIS-COLORECTAL CANCER SYNDROME. Identifiers: Orphanet 300576, MedGen C1837750, MONDO:0012075, OMIM 608615. Disease mechanism: loss of function.

Submissions (3):

Ambry Genetics
Classification: Uncertain significance for Hereditary cancer-predisposing syndrome. Last evaluated: 2025-07-18. Review status: criteria provided, single submitter. Criteria: Ambry Variant Classification Scheme 2023. Collection method: clinical testing. Allele origin: germline.
Comment: The c.957-3T>C intronic variant results from a T to C substitution 3 nucleotides upstream from coding exon 3 in the AXIN2 gene. This nucleotide position is well conserved in available vertebrate species. In silico splice site analysis predicts that this alteration will not have any significant effect on splicing; however, direct evidence is insufficient at this time (Ambry internal data). Based on the available evidence, the clinical significance of this variant remains unclear.

Labcorp Genetics (formerly Invitae), Labcorp
Classification: Likely benign for Oligodontia-cancer predisposition syndrome. Last evaluated: 2024-09-27. Review status: criteria provided, single submitter. Criteria: Invitae Variant Classification Sherloc (09022015). Collection method: clinical testing. Allele origin: germline.

Myriad Genetics, Inc.
Classification: Likely benign for Oligodontia-cancer predisposition syndrome. Last evaluated: 2024-06-28. Review status: criteria provided, single submitter. Criteria: Myriad Autosomal Dominant, Autosomal Recessive and X-Linked Classification Criteria (2023). Collection method: clinical testing. Allele origin: unknown.
Comment: This variant is considered likely benign. This variant is intronic and is not expected to impact mRNA splicing.